The following is an entry in ClinVar:

ClinVar aggregate classification (germline): Uncertain significance (1 of 4 stars; one submission).

Submission:

Labcorp Genetics (formerly Invitae), Labcorp
Classification: Uncertain significance. Last evaluated: 2023-10-07. Review status: criteria provided, single submitter. Criteria: Invitae Variant Classification Sherloc (09022015). Collection method: clinical testing. Allele origin: germline.
Comment: This sequence change falls in intron 5 of the TNFAIP3 gene. It does not directly change the encoded amino acid sequence of the TNFAIP3 protein. This variant is not present in population databases (gnomAD no frequency). This variant has not been reported in the literature in individuals affected with TNFAIP3-related conditions. Algorithms developed to predict the effect of sequence changes on RNA splicing suggest that this variant may create or strengthen a splice site. In summary, the available evidence is currently insufficient to determine the role of this variant in disease. Therefore, it has been classified as a Variant of Uncertain Significance.

NM_001270508.2(TNFAIP3):c.806-7T>G

Gene: TNFAIP3 (TNF alpha induced protein 3; plus strand). Cytogenetic location: 6q23.3.
Variant type: single nucleotide variant.
Coding change: c.806-7T>G on transcript NM_001270508.2 (MANE Select); 7 bases into the intron before coding-DNA position 806, T replaced by G.
Molecular consequence: intron variant.
Genome position (GRCh38, 1-based): chr6:137,877,069, T>G. VCF-style: chr6-137877069-T-G. GRCh37 (hg19) VCF-style: chr6-138198206-T-G.
Other names: c.806-7T>G (NM_001270507.2, NM_006290.4).
Identifiers: ClinVar variation 2766737 (VCV002766737.3), dbSNP rs2482742062, ClinGen allele CA2697553773.
Genomic context (GRCh38, chr6:137,877,069, plus strand): 5'-AGATCTACTTACCTATGGCCTTGTTTAGTAGAATACTGTTTTACTTATGTATTATTTTTT[T>G]CCTTAGAAATCCGAGCTGTTCCACTTGTTAACAGAGACCGGGGAAGATTTGAAGACTTAA-3'